The following is an entry in ClinVar:

ClinVar aggregate classification (germline): Uncertain significance. Review status: criteria provided, multiple submitters, no conflicts (2 of 4 stars). 7 submissions from 7 submitters: Uncertain significance (7). Last evaluated 2026-01-13.

Conditions:
Chuvash polycythemia. Also called: POLYCYTHEMIA, VHL-DEPENDENT. Identifiers: Orphanet 238557, MedGen C1837915, MONDO:0009892, OMIM 263400.
Von Hippel-Lindau syndrome (VHLS). Also called: VHL syndrome; Von Hippel-Lindau; von Hippel–Lindau syndrome. Identifiers: Orphanet 892, MedGen C0019562, MONDO:0008667, OMIM 193300. Disease mechanism: loss of function.
Hereditary cancer-predisposing syndrome. Also called: Hereditary neoplastic syndrome; Neoplastic Syndromes, Hereditary; Hereditary Cancer Syndrome; Tumor predisposition. Identifiers: Orphanet 140162, MedGen C0027672, MeSH D009386, MONDO:0015356.

Allele frequency attached by ClinVar (database versions not stated): TOPMed below 0.00001; gnomAD exomes 0.00002.
gnomAD v4.1: 22 of 1,534,002 alleles (0.0014%); highest among the groups gnomAD compares: Non-Finnish European, 0.0019%; no homozygotes.

Submissions (7):

Labcorp Genetics (formerly Invitae), Labcorp
Classification: Uncertain significance for Von Hippel-Lindau syndrome; Chuvash polycythemia. Last evaluated: 2026-01-13. Review status: criteria provided, single submitter. Criteria: Invitae Variant Classification Sherloc (09022015). Collection method: clinical testing. Allele origin: germline.
Comment: This sequence change replaces glutamic acid, which is acidic and polar, with alanine, which is neutral and non-polar, at codon 21 of the VHL protein (p.Glu21Ala). This variant is not present in population databases (gnomAD no frequency). This missense change has been observed in individual(s) with erythrocytosis or clear-cell type renal cell carcinoma (PMID: 22683710, 29790589). ClinVar contains an entry for this variant (Variation ID: 411957). Invitae Evidence Modeling of protein sequence and biophysical properties (such as structural, functional, and spatial information, amino acid conservation, physicochemical variation, residue mobility, and thermodynamic stability) indicates that this missense variant is not expected to disrupt VHL protein function with a negative predictive value of 95%. In summary, the available evidence is currently insufficient to determine the role of this variant in disease. Therefore, it has been classified as a Variant of Uncertain Significance.

Quest Diagnostics Nichols Institute San Juan Capistrano
Classification: Uncertain significance. Last evaluated: 2024-10-15. Review status: criteria provided, single submitter. Criteria: Quest Diagnostics criteria. Collection method: clinical testing. Allele origin: unknown.
Comment: The VHL c.62A>C (p.Glu21Ala) variant has been reported in the published literature in an individual with erythrocytosis (PMID: 29790589 (2018)). This variant has not been reported in large, multi-ethnic general populations (Genome Aggregation Database). Analysis of this variant using bioinformatics tools for the prediction of the effect of amino acid changes on protein structure and function yielded predictions that this variant is benign. Based on the available information, we are unable to determine the clinical significance of this variant.

Ambry Genetics
Classification: Uncertain significance for Hereditary cancer-predisposing syndrome. Last evaluated: 2024-04-29. Review status: criteria provided, single submitter. Criteria: Ambry Variant Classification Scheme 2023. Collection method: clinical testing. Allele origin: germline.
Comment: The p.E21A variant (also known as c.62A>C), located in coding exon 1 of the VHL gene, results from an A to C substitution at nucleotide position 62. The glutamic acid at codon 21 is replaced by alanine, an amino acid with dissimilar properties. This alteration was identified in one individual diagnosed with renal cell carcinoma (Pe&ntilde;a-Llopis S et al. Nat. Genet. 2012 Jun;44:751-9). This amino acid position is well conserved in available vertebrate species. In addition, this alteration is predicted to be tolerated by in silico analysis. Based on the available evidence, the clinical significance of this variant remains unclear.

Color Diagnostics, LLC DBA Color Health
Classification: Uncertain significance for Von Hippel-Lindau syndrome. Last evaluated: 2024-03-26. Review status: criteria provided, single submitter. Criteria: ACMG Guidelines, 2015. Collection method: clinical testing. Allele origin: germline.
Comment: This missense variant replaces glutamic acid with alanine at codon 21 of the VHL protein. Computational prediction suggests that this variant may not impact protein structure and function. To our knowledge, functional studies have not been reported for this variant. This variant has been reported in an individual affected with clear-cell renal cell carcinoma (PMID: 22683710) and in an individual unaffected with VHL-associated cancer (PMID: 30943211). This variant has not been identified in the general population by the Genome Aggregation Database (gnomAD). The available evidence is insufficient to determine the role of this variant in disease conclusively. Therefore, this variant is classified as a Variant of Uncertain Significance.

Baylor Genetics
Classification: Uncertain significance for Chuvash polycythemia. Last evaluated: 2023-07-27. Review status: criteria provided, single submitter. Criteria: ACMG Guidelines, 2015. Collection method: clinical testing. Allele origin: unknown.

GeneDx
Classification: Uncertain significance. Last evaluated: 2023-04-25. Review status: criteria provided, single submitter. Criteria: GeneDx Variant Classification Process June 2021. Collection method: clinical testing. Allele origin: germline. Affected: yes.
Comment: Not observed at significant frequency in large population cohorts (gnomAD); In silico analysis supports that this missense variant does not alter protein structure/function; Observed in individuals with a personal history of clear cell renal carcinoma or erythrocytosis (Pea-Llopis et al., 2012; Oliveira et al., 2018); This variant is associated with the following publications: (PMID: 22683710, 22076155, 29790589)

Blueprint Genetics
Classification: Uncertain significance. Last evaluated: 2022-09-26. Review status: criteria provided, single submitter. Criteria: ACMG Guidelines, 2015. Collection method: clinical testing. Allele origin: germline.

Literature cited by the submitters: PubMed 22683710 (cited by 3 submitters); PubMed 29790589 (cited by 3 submitters); PubMed 37937776 (cited by Quest Diagnostics Nichols Institute San Juan Capistrano); PubMed 30943211 (cited by Color Diagnostics, LLC DBA Color Health).

NM_000551.4(VHL):c.62A>C (p.Glu21Ala)

Gene: VHL (von Hippel-Lindau tumor suppressor; plus strand). Cytogenetic location: 3p25.3.
Variant type: single nucleotide variant.
Coding change: c.62A>C on transcript NM_000551.4 (MANE Select); coding-DNA position 62, A replaced by C.
Protein change: p.Glu21Ala; replaces glutamic acid 21 with alanine.
Molecular consequence: missense variant.
Genome position (GRCh38, 1-based): chr3:10,141,909, A>C. VCF-style: chr3-10141909-A-C. GRCh37 (hg19) VCF-style: chr3-10183593-A-C.
Other names: c.62A>C, p.Glu21Ala (NM_001354723.2, NM_198156.3); short protein forms E21A.
Identifiers: ClinVar variation 411957 (VCV000411957.18), dbSNP rs1060503548, ClinGen allele CA16611259.